The following is an entry in ClinVar:

ClinVar aggregate classification (germline): Likely benign. Review status: criteria provided, single submitter (1 of 4 stars). 2 submissions from 2 submitters: Likely benign (1). 1 of the submissions does not count toward it. Last evaluated 2024-11-16.

Conditions:
Progressive microcephaly-seizures-cortical blindness-developmental delay syndrome. Also called: Seizures, cortical blindness, and microcephaly syndrome. Identifiers: Orphanet 477814, MedGen C5567650, MONDO:0014714, OMIM 616632.
Autosomal dominant nonsyndromic hearing loss 1. Also called: KONIGSMARK SYNDROME; DEAFNESS, AUTOSOMAL DOMINANT 1, WITH OR WITHOUT THROMBOCYTOPENIA. Identifiers: Orphanet 90635, MedGen C1852282, MONDO:0007424, OMIM 124900.
DIAPH1-related disorder. Also called: DIAPH1-related condition.

Allele frequency attached by ClinVar (database versions not stated): gnomAD exomes below 0.00001; ExAC 0.00002; gnomAD 0.00003.
gnomAD v4.1: 10 of 1,588,612 alleles (0.00063%); highest among the groups gnomAD compares: African/African-American, 0.0042%; no homozygotes.

Submissions (2):

Labcorp Genetics (formerly Invitae), Labcorp
Classification: Likely benign for Progressive microcephaly-seizures-cortical blindness-developmental delay syndrome; Autosomal dominant nonsyndromic hearing loss 1. Last evaluated: 2024-11-16. Review status: criteria provided, single submitter. Criteria: Invitae Variant Classification Sherloc (09022015). Collection method: clinical testing. Allele origin: germline.

PreventionGenetics, part of Exact Sciences
Classification: Likely benign for DIAPH1-related condition. Last evaluated: 2024-03-27. Review status: no assertion criteria provided. Collection method: clinical testing. Allele origin: germline. Not counted in ClinVar's aggregate classification.
Comment: This variant is classified as likely benign based on ACMG/AMP sequence variant interpretation guidelines (Richards et al. 2015 PMID: 25741868, with internal and published modifications).

NM_005219.5(DIAPH1):c.3168A>G (p.Gln1056=)

Gene: DIAPH1 (diaphanous related formin 1; minus strand). Cytogenetic location: 5q31.3.
Variant type: single nucleotide variant.
Coding change: c.3168A>G on transcript NM_005219.5 (MANE Select); coding-DNA position 3168, A replaced by G.
Protein change: p.Gln1056=; no amino-acid change (glutamine 1056 retained).
Molecular consequence: synonymous variant.
Genome position (GRCh38, 1-based): chr5:141,527,678, T>C on the plus strand (A>G on the coding strand, the complement: DIAPH1 is on the minus strand). VCF-style: chr5-141527678-T-C. GRCh37 (hg19) VCF-style: chr5-140907245-T-C.
Other names: c.3141A>G, p.Gln1047= (NM_001079812.3); c.3168A>G, p.Gln1056= (NM_001314007.2); c.3168A>G (NM_005219.4).
Identifiers: ClinVar variation 2413223 (VCV002413223.6), dbSNP rs758694508, ClinGen allele CA3478845.